The following is an entry in ClinVar:

ClinVar aggregate classification (germline): Uncertain significance (1 of 4 stars; one submission).

Allele frequency attached by ClinVar (database versions not stated): TOPMed below 0.00001; gnomAD exomes 0.00002; gnomAD 0.00006; ExAC 0.00009; 1000 Genomes Project 30x 0.00016; 1000 Genomes Project 0.00020.
gnomAD v4.1: 44 of 1,613,608 alleles (0.0027%); highest among the groups gnomAD compares: South Asian, 0.035%; no homozygotes.

Submission:

Labcorp Genetics (formerly Invitae), Labcorp
Classification: Uncertain significance. Last evaluated: 2024-10-17. Review status: criteria provided, single submitter. Criteria: Invitae Variant Classification Sherloc (09022015). Collection method: clinical testing. Allele origin: germline.
Comment: This sequence change replaces arginine, which is basic and polar, with glutamine, which is neutral and polar, at codon 565 of the TCIRG1 protein (p.Arg565Gln). This variant is present in population databases (rs561371280, gnomAD 0.05%). This variant has not been reported in the literature in individuals affected with TCIRG1-related conditions. ClinVar contains an entry for this variant (Variation ID: 2154694). Invitae Evidence Modeling of protein sequence and biophysical properties (such as structural, functional, and spatial information, amino acid conservation, physicochemical variation, residue mobility, and thermodynamic stability) indicates that this missense variant is not expected to disrupt TCIRG1 protein function with a negative predictive value of 80%. In summary, the available evidence is currently insufficient to determine the role of this variant in disease. Therefore, it has been classified as a Variant of Uncertain Significance.

NM_006019.4(TCIRG1):c.1694G>A (p.Arg565Gln)

Gene: TCIRG1 (T cell immune regulator 1, ATPase H+ transporting V0 subunit a3; plus strand). Cytogenetic location: 11q13.2.
Variant type: single nucleotide variant.
Coding change: c.1694G>A on transcript NM_006019.4 (MANE Select); coding-DNA position 1694, G replaced by A.
Protein change: p.Arg565Gln; replaces arginine 565 with glutamine.
Molecular consequence: missense variant.
Genome position (GRCh38, 1-based): chr11:68,049,101, G>A. VCF-style: chr11-68049101-G-A. GRCh37 (hg19) VCF-style: chr11-67816568-G-A.
Other names: c.800G>A, p.Arg267Gln (NM_001351059.2); c.1046G>A, p.Arg349Gln (NM_006053.4); short protein forms R565Q, R267Q, R349Q.
Identifiers: ClinVar variation 2154694 (VCV002154694.3), dbSNP rs561371280, ClinGen allele CA6147242.